The following is an entry in ClinVar:

NM_001329943.3(KIAA0586):c.1253+3A>G

Gene: KIAA0586 (KIAA0586; plus strand). Cytogenetic location: 14q23.1.
Variant type: single nucleotide variant.
Coding change: c.1253+3A>G on transcript NM_001329943.3 (MANE Select); 3 bases into the intron after coding-DNA position 1253, A replaced by G.
Molecular consequence: intron variant.
Genome position (GRCh38, 1-based): chr14:58,453,476, A>G. VCF-style: chr14-58453476-A-G. GRCh37 (hg19) VCF-style: chr14-58920194-A-G.
Other names: c.1412+3A>G (NM_001244189.2); c.1208+3A>G (NM_001244190.2); c.1121+3A>G (NM_001244192.2); c.998+3A>G (NM_001244191.2, NM_001364701.2, NM_001329945.2 and 1 more transcripts); c.1253+3A>G (NM_001329944.2, NM_001329946.2, NM_001329947.2 and 1 more transcripts); c.833+3A>G (NM_001244193.2).
Identifiers: ClinVar variation 652691 (VCV000652691.5), dbSNP rs762698768, ClinGen allele CA7205589.
Genomic context (GRCh38, chr14:58,453,476, plus strand): 5'-CAAACACCACCTCACTAACTAGGTCAAAAATAGGATGGACTCCTGAGAAAACAAACAGGT[A>G]AAAACAAGAGATTGGAATGAAAACTAGATTGAAAAGAGTTTTGTTAAGATTTTTCAAATT-3'

ClinVar aggregate classification (germline): Uncertain significance (1 of 4 stars; one submission).

Conditions:
Joubert syndrome 23 (JBTS23). Identifiers: Orphanet 475, MedGen C4084822, MONDO:0014664, OMIM 616490.
Short-rib thoracic dysplasia 14 with polydactyly (SRTD14). Identifiers: Orphanet 397715, MedGen C4225286, MONDO:0014688, OMIM 616546.

Allele frequency attached by ClinVar (database versions not stated): gnomAD 0.00005; gnomAD exomes 0.00005 and 0.00016; TOPMed 0.00005; ExAC 0.00027.
gnomAD v4.1: 78 of 1,497,148 alleles (0.0052%); highest among the groups gnomAD compares: African/African-American, 0.0029%; no homozygotes.

Submission:

Labcorp Genetics (formerly Invitae), Labcorp
Classification: Uncertain significance for Joubert syndrome 23; Short-rib thoracic dysplasia 14 with polydactyly. Last evaluated: 2024-06-26. Review status: criteria provided, single submitter. Criteria: Invitae Variant Classification Sherloc (09022015). Collection method: clinical testing. Allele origin: germline.
Comment: This sequence change falls in intron 11 of the KIAA0586 gene. It does not directly change the encoded amino acid sequence of the KIAA0586 protein. It affects a nucleotide within the consensus splice site. This variant is present in population databases (rs762698768, gnomAD 0.2%). This variant has not been reported in the literature in individuals affected with KIAA0586-related conditions. ClinVar contains an entry for this variant (Variation ID: 652691). Variants that disrupt the consensus splice site are a relatively common cause of aberrant splicing (PMID: 17576681, 9536098). Algorithms developed to predict the effect of sequence changes on RNA splicing suggest that this variant is not likely to affect RNA splicing. In summary, the available evidence is currently insufficient to determine the role of this variant in disease. Therefore, it has been classified as a Variant of Uncertain Significance.

Literature cited by the submitters: PubMed 17576681; PubMed 9536098.